The following is an entry in ClinVar:

ClinVar aggregate classification (germline): Benign/Likely benign. Review status: criteria provided, multiple submitters, no conflicts (2 of 4 stars). 2 submissions from 2 submitters: Benign (1); Likely benign (1). Last evaluated 2024-11-06.

Conditions:
Renal cell carcinoma. Identifiers: Orphanet 217071, MedGen C0007134, MeSH D002292, MONDO:0005086, HP:0005584.
Papillary renal cell carcinoma type 1 (RCCP1). Also called: RENAL CELL CARCINOMA, PAPILLARY, 1, SOMATIC; Renal adenocarcinoma; Renal cell carcinoma 1; Renal cell carcinoma, somatic. Identifiers: Orphanet 47044, MedGen C1336839, OMIM 605074, HP:0011797.

Submissions (2):

Myriad Genetics, Inc.
Classification: Benign for Papillary renal cell carcinoma type 1. Last evaluated: 2024-11-06. Review status: criteria provided, single submitter. Criteria: Myriad Autosomal Dominant, Autosomal Recessive and X-Linked Classification Criteria (2023). Collection method: clinical testing. Allele origin: unknown.
Comment: This variant is considered benign. This variant is a silent/synonymous amino acid change and it is not expected to impact splicing.

Labcorp Genetics (formerly Invitae), Labcorp
Classification: Likely benign for Renal cell carcinoma. Last evaluated: 2020-01-09. Review status: criteria provided, single submitter. Criteria: Invitae Variant Classification Sherloc (09022015). Collection method: clinical testing. Allele origin: germline.

NM_000245.4(MET):c.750C>T (p.Val250=)

Gene: MET (MET proto-oncogene, receptor tyrosine kinase; plus strand). Cytogenetic location: 7q31.2.
Variant type: single nucleotide variant.
Coding change: c.750C>T on transcript NM_000245.4 (MANE Select); coding-DNA position 750, C replaced by T.
Protein change: p.Val250=; no amino-acid change (valine 250 retained).
Molecular consequence: synonymous variant. On other transcripts: intron variant (1).
Genome position (GRCh38, 1-based): chr7:116,699,834, C>T. VCF-style: chr7-116699834-C-T. GRCh37 (hg19) VCF-style: chr7-116339888-C-T.
Other names: c.750C>T, p.Val250= (NM_001127500.3, NM_001324401.3); c.-91+27257C>T (NM_001324402.2).
Identifiers: ClinVar variation 1151663 (VCV001151663.10), dbSNP rs2116596869, ClinGen allele CA457447876.